The following is an entry in ClinVar:

ClinVar aggregate classification (germline): Pathogenic/Likely pathogenic. Review status: criteria provided, multiple submitters, no conflicts (2 of 4 stars). 10 submissions from 10 submitters: Pathogenic (3); Likely pathogenic (4). 3 of the submissions do not count toward it. Last evaluated 2025-11-21.

Conditions:
LOXHD1-related disorder. Also called: LOXHD1-related condition.
Autosomal recessive nonsyndromic hearing loss 77. Identifiers: Orphanet 90636, MedGen C2746083, MONDO:0013119, OMIM 613079.

Allele frequency attached by ClinVar (database versions not stated): TOPMed 0.00001; gnomAD 0.00003; gnomAD exomes 0.00003.
gnomAD v4.1: 27 of 1,551,644 alleles (0.0017%); highest among the groups gnomAD compares: Non-Finnish European, 0.0023%; no homozygotes.

Submissions (10):

Natera, Inc.
Classification: Likely pathogenic for Autosomal recessive deafness type 77. Last evaluated: 2025-11-21. Review status: criteria provided, single submitter. Criteria: Natera Variant Classification Schema (03/2026). Collection method: clinical testing. Allele origin: germline.
Comment: The c.442A>T variant in LOXHD1 is a nonsense variant predicted to introduce a stop codon at amino acid 148. This variant is expected to result in nonsense mediated decay, truncation, or a dysfunctional protein product. This variant is rare in the general population with a frequency below the threshold expected for the associated phenotype(s). Given the available evidence, this variant is classified as Likely Pathogenic.

Fulgent Genetics
Classification: Likely pathogenic for Autosomal recessive nonsyndromic hearing loss 77. Last evaluated: 2024-04-12. Review status: criteria provided, single submitter. Criteria: ACMG Guidelines, 2015. Collection method: clinical testing. Allele origin: germline.

Labcorp Genetics (formerly Invitae), Labcorp
Classification: Pathogenic. Last evaluated: 2023-10-28. Review status: criteria provided, single submitter. Criteria: Invitae Variant Classification Sherloc (09022015). Collection method: clinical testing. Allele origin: germline.
Comment: This sequence change creates a premature translational stop signal (p.Lys148*) in the LOXHD1 gene. It is expected to result in an absent or disrupted protein product. Loss-of-function variants in LOXHD1 are known to be pathogenic (PMID: 19732867, 21465660, 25792669). This variant is present in population databases (no rsID available, gnomAD 0.007%). This premature translational stop signal has been observed in individual(s) with LOXHD1-related conditions (PMID: 19732867, 21465660, 25792669, 27959697). ClinVar contains an entry for this variant (Variation ID: 291140). For these reasons, this variant has been classified as Pathogenic.

Blueprint Genetics
Classification: Likely pathogenic for LOXHD1-related disorders. Last evaluated: 2023-06-28. Review status: criteria provided, single submitter. Criteria: ACMG Guidelines, 2015. Collection method: clinical testing. Allele origin: germline. Affected: yes. Observed: 2 variant alleles.

MGZ Medical Genetics Center
Classification: Likely pathogenic for Autosomal recessive nonsyndromic hearing loss 77. Last evaluated: 2022-03-11. Review status: criteria provided, single submitter. Criteria: ACMG Guidelines, 2015. Collection method: clinical testing. Allele origin: germline. Affected: yes. Observed: 1 variant allele.
Comment: ACMG criteria applied: PVS1, PM2_SUP

CeGaT Center for Human Genetics Tuebingen
Classification: Pathogenic. Last evaluated: 2021-05-01. Review status: criteria provided, single submitter. Criteria: CeGaT Center For Human Genetics Tuebingen Variant Classification Criteria Version 2. Collection method: clinical testing. Allele origin: germline. Affected: yes. Observed: 1 variant allele.

Eurofins Ntd Llc (ga)
Classification: Pathogenic. Last evaluated: 2016-09-05. Review status: criteria provided, single submitter. Criteria: EGL Classification Definitions 2015. Collection method: clinical testing. Allele origin: germline. Observed: 1 variant allele, 1 heterozygote.

PreventionGenetics, part of Exact Sciences
Classification: Pathogenic for LOXHD1-related condition. Last evaluated: 2024-08-19. Review status: no assertion criteria provided. Collection method: clinical testing. Allele origin: germline. Not counted in ClinVar's aggregate classification.
Comment: The LOXHD1 c.442A>T variant is predicted to result in premature protein termination (p.Lys148*). This variant was reported in the heterozygous state without a second potentially causative variant in an individual with non-syndromic hearing loss (Table S1, Safka Brozkova et al. 2020. PubMed ID: 32860223) and in the heterozygous state along with a missense variant in a patient with unspecified phenotype (Patient 45, Supplemental Appendix, Posey et al 2017. PubMed ID: 27959697). This variant is reported in 0.0066% of alleles in individuals of European (Non-Finnish) descent in gnomAD. Nonsense variants in LOXHD1 are expected to be pathogenic. This variant is interpreted as pathogenic.

Counsyl
Classification: Likely pathogenic for Autosomal recessive nonsyndromic hearing loss 77. Last evaluated: 2018-01-11. Review status: no assertion criteria provided. Collection method: clinical testing. Allele origin: unknown. Not counted in ClinVar's aggregate classification.

Baylor Genetics
Classification: Pathogenic for Autosomal recessive nonsyndromic hearing loss 77. Last evaluated: 2014-11-14. Review status: no assertion criteria provided. Collection method: clinical testing. Allele origin: paternal, germline. Inheritance: Autosomal recessive inheritance. Affected: yes. Observed: 2 variant alleles, 1 heterozygote, 1 compound heterozygote. Not counted in ClinVar's aggregate classification.
Comment: Heterozygotes for the LOXHD1 variants would not be expected to be affected.

Literature cited by the submitters: PubMed 19732867 (cited by Labcorp Genetics (formerly Invitae), Labcorp); PubMed 21465660 (cited by Labcorp Genetics (formerly Invitae), Labcorp); PubMed 25792669 (cited by Labcorp Genetics (formerly Invitae), Labcorp); PubMed 27959697 (cited by Labcorp Genetics (formerly Invitae), Labcorp and Counsyl).

NM_001384474.1(LOXHD1):c.442A>T (p.Lys148Ter)

Gene: LOXHD1 (lipoxygenase homology PLAT domains 1; minus strand). Cytogenetic location: 18q21.1.
Variant type: single nucleotide variant.
Coding change: c.442A>T on transcript NM_001384474.1 (MANE Select); coding-DNA position 442, A replaced by T.
Protein change: p.Lys148Ter; replaces lysine 148 with a stop codon.
Molecular consequence: nonsense.
Genome position (GRCh38, 1-based): chr18:46,639,685, T>A on the plus strand (A>T on the coding strand, the complement: LOXHD1 is on the minus strand). VCF-style: chr18-46639685-T-A. GRCh37 (hg19) VCF-style: chr18-44219648-T-A.
Other names: c.442A>T, p.Lys148Ter (NM_144612.7); short protein forms K148*.
Identifiers: ClinVar variation 291140 (VCV000291140.50), dbSNP rs886044666, ClinGen allele CA10607035.